The following is an entry in ClinVar:

ClinVar aggregate classification (germline): Likely pathogenic. Review status: criteria provided, multiple submitters, no conflicts (2 of 4 stars). 4 submissions from 4 submitters: Likely pathogenic (4). Last evaluated 2025-10-13.

Conditions:
ETHE1-related disorder. Also called: ETHE1-related condition.
Ethylmalonic encephalopathy (EE). Also called: EPEMA syndrome; Encephalopathy, petechiae, and ethylmalonic aciduria; Syndrome of encephalopathy, petechiae, and ethylmalonic aciduria. Identifiers: Orphanet 51188, MedGen C1865349, MONDO:0011229, OMIM 602473. Disease mechanism: loss of function.

Allele frequency attached by ClinVar (database versions not stated): gnomAD exomes below 0.00001; TOPMed 0.00001.
gnomAD v4.1: 24 of 1,613,574 alleles (0.0015%); highest among the groups gnomAD compares: Non-Finnish European, 0.0019%; no homozygotes.

Submissions (4):

Natera, Inc.
Classification: Likely pathogenic for Ethylmalonic encephalopathy. Last evaluated: 2025-10-13. Review status: criteria provided, single submitter. Criteria: Natera Variant Classification Schema (03/2026). Collection method: clinical testing. Allele origin: germline.
Comment: The c.596-2A>G variant in ETHE1 is a canonical splice acceptor site variant predicted to affect pre-mRNA splicing, which may result in an abnormal transcript and altered protein product. This variant is expected to result in nonsense mediated decay, truncation, or a dysfunctional protein product. This variant is rare in the general population with a frequency below the threshold expected for the associated phenotype(s). Given the available evidence, this variant is classified as Likely Pathogenic.

Women's Health and Genetics/Laboratory Corporation of America, LabCorp
Classification: Likely pathogenic for Ethylmalonic encephalopathy. Last evaluated: 2025-02-14. Review status: criteria provided, single submitter. Criteria: LabCorp Variant Classification Summary - May 2015. Collection method: clinical testing. Allele origin: germline.
Comment: Variant summary: ETHE1 c.596-2A>G is located in a canonical splice-site and is predicted to affect mRNA splicing resulting in a significantly altered protein due to either exon skipping, shortening, or inclusion of intronic material. Variants that disrupt the consensus splice site are a relatively common cause of aberrant splicing and loss of ETHE1 function.Several computational tools predict a significant impact on normal splicing: Four predict the variant abolishes the canonical 3' acceptor site and creates/strengthens a cryptic 3' acceptor site located nine nucleotides downstream in exon 6. However, these predictions have yet to be confirmed by functional studies. The variant allele was found at a frequency of 4e-06 in 250952 control chromosomes. To our knowledge, no occurrence of c.596-2A>G in individuals affected with Ethylmalonic Encephalopathy and no experimental evidence demonstrating its impact on protein function have been reported. ClinVar contains an entry for this variant (Variation ID: 214320). Based on the evidence outlined above, the variant was classified as likely pathogenic.

PreventionGenetics, part of Exact Sciences
Classification: Likely pathogenic for ETHE1-related condition. Last evaluated: 2024-12-23. Review status: criteria provided, single submitter. Criteria: ACMG Guidelines, 2015. Collection method: clinical testing. Allele origin: germline.
Comment: The ETHE1 c.596-2A>G variant is predicted to disrupt the AG splice acceptor site and interfere with normal splicing. To our knowledge, this variant has not been reported in the literature. This variant is reported in 0.0016% of alleles in individuals of European (Non-Finnish) descent in gnomAD. Variants that disrupt the consensus splice acceptor site in ETHE1 are expected to be pathogenic. This variant is interpreted as likely pathogenic.

Labcorp Genetics (formerly Invitae), Labcorp
Classification: Likely pathogenic for Ethylmalonic encephalopathy. Last evaluated: 2023-05-24. Review status: criteria provided, single submitter. Criteria: Invitae Variant Classification Sherloc (09022015). Collection method: clinical testing. Allele origin: germline.
Comment: In summary, the currently available evidence indicates that the variant is pathogenic, but additional data are needed to prove that conclusively. Therefore, this variant has been classified as Likely Pathogenic. Algorithms developed to predict the effect of sequence changes on RNA splicing suggest that this variant may disrupt the consensus splice site. ClinVar contains an entry for this variant (Variation ID: 214320). This variant has not been reported in the literature in individuals affected with ETHE1-related conditions. This variant is present in population databases (no rsID available, gnomAD 0.002%). This sequence change affects an acceptor splice site in intron 5 of the ETHE1 gene. It is expected to disrupt RNA splicing. Variants that disrupt the donor or acceptor splice site typically lead to a loss of protein function (PMID: 16199547), and loss-of-function variants in ETHE1 are known to be pathogenic (PMID: 14732903, 19136963).

Literature cited by the submitters: PubMed 16199547 (cited by Labcorp Genetics (formerly Invitae), Labcorp); PubMed 14732903 (cited by Labcorp Genetics (formerly Invitae), Labcorp); PubMed 19136963 (cited by Labcorp Genetics (formerly Invitae), Labcorp).

NM_014297.5(ETHE1):c.596-2A>G

Gene: ETHE1 (ETHE1 persulfide dioxygenase; minus strand). Cytogenetic location: 19q13.31.
Variant type: single nucleotide variant.
Coding change: c.596-2A>G on transcript NM_014297.5 (MANE Select); the canonical splice acceptor site of the intron before coding-DNA position 596, A replaced by G.
Molecular consequence: splice acceptor variant.
Genome position (GRCh38, 1-based): chr19:43,508,062, T>C on the plus strand (A>G on the coding strand, the complement: ETHE1 is on the minus strand). VCF-style: chr19-43508062-T-C. GRCh37 (hg19) VCF-style: chr19-44012214-T-C.
Other names: c.302-2A>G (NM_001320869.2); c.227-2A>G (NM_001320868.2); c.563-2A>G (NM_001320867.2); c.596-2A>G (NM_014297.4).
Identifiers: ClinVar variation 214320 (VCV000214320.14), dbSNP rs863223954, ClinGen allele CA321295.
Genomic context (GRCh38, chr19:43,508,062, plus strand): 5'-GCTGAGGGTGAGCCGAGGGTTCAGAGTCCTCTCCTCCTCCACGGTGGACACTGTGAACCC[T>C]AGGGGCCAAGGGAGGGGAAGGAAAGTCAAGGAGTCTAGTGCCTCAGGCCTCTCAGAACTA-3'